The following is an entry in ClinVar:

ClinVar aggregate classification (germline): Benign/Likely benign. Review status: criteria provided, multiple submitters, no conflicts (2 of 4 stars). 3 submissions from 3 submitters: Benign (1); Likely benign (2). Last evaluated 2024-08-15.

Conditions:
Hereditary cancer-predisposing syndrome. Also called: Neoplastic Syndromes, Hereditary; Tumor predisposition; Hereditary Cancer Syndrome; Hereditary neoplastic syndrome. Identifiers: Orphanet 140162, MedGen C0027672, MeSH D009386, MONDO:0015356.
Familial cancer of breast. Also called: BREAST CANCER, FAMILIAL; hereditary breast carcinoma; Hereditary breast cancer. Identifiers: Orphanet 227535, MedGen C0346153, MONDO:0016419, OMIM 114480. Disease mechanism: loss of function.

Submissions (3):

Labcorp Genetics (formerly Invitae), Labcorp
Classification: Likely benign for Familial cancer of breast. Last evaluated: 2024-08-15. Review status: criteria provided, single submitter. Criteria: Invitae Variant Classification Sherloc (09022015). Collection method: clinical testing. Allele origin: germline.

Myriad Genetics, Inc.
Classification: Benign for Familial cancer of breast. Last evaluated: 2024-07-18. Review status: criteria provided, single submitter. Criteria: Myriad Autosomal Dominant, Autosomal Recessive and X-Linked Classification Criteria (2023). Collection method: clinical testing. Allele origin: unknown.
Comment: This variant is considered benign. This variant is a silent/synonymous amino acid change and it is not expected to impact splicing.

Ambry Genetics
Classification: Likely benign for Hereditary cancer-predisposing syndrome. Last evaluated: 2015-04-09. Review status: criteria provided, single submitter. Criteria: Ambry Variant Classification Scheme 2023. Collection method: clinical testing. Allele origin: germline.

NM_000465.4(BARD1):c.171G>A (p.Leu57=)

Gene: BARD1 (BRCA1 associated RING domain 1; minus strand). Cytogenetic location: 2q35.
Variant type: single nucleotide variant.
Coding change: c.171G>A on transcript NM_000465.4 (MANE Select); coding-DNA position 171, G replaced by A.
Protein change: p.Leu57=; no amino-acid change (leucine 57 retained).
Molecular consequence: synonymous variant. On other transcripts: non-coding transcript variant (2), intron variant (2).
Genome position (GRCh38, 1-based): chr2:214,797,105, C>T on the plus strand (G>A on the coding strand, the complement: BARD1 is on the minus strand). VCF-style: chr2-214797105-C-T. GRCh37 (hg19) VCF-style: chr2-215661829-C-T.
Other names: c.171G>A, p.Leu57= (NM_001282545.2, NM_001282549.2); c.158+12307G>A (NM_001282548.2); c.159-4660G>A (NM_001282543.2).
Identifiers: ClinVar variation 231239 (VCV000231239.16), dbSNP rs876659045, ClinGen allele CA10577859.